The following is an entry in ClinVar:

ClinVar aggregate classification (germline): Uncertain significance (1 of 4 stars; one submission).

Conditions:
Jeune thoracic dystrophy. Also called: Jeune syndrome; Infantile thoracic dystrophy; Thoracic pelvic phalangeal dystrophy; Jeune's syndrome; Chondroectodermal dysplasia-like syndrome; Short-rib thoracic dysplasia. Identifiers: Orphanet 474, MedGen C0265275, MONDO:0018770.

gnomAD v4.1: 1 of 1,612,068 alleles (0.000062%); highest among the groups gnomAD compares: Non-Finnish European, 0.000085%; no homozygotes.

Submission:

Labcorp Genetics (formerly Invitae), Labcorp
Classification: Uncertain significance for Jeune thoracic dystrophy. Last evaluated: 2022-07-06. Review status: criteria provided, single submitter. Criteria: Invitae Variant Classification Sherloc (09022015). Collection method: clinical testing. Allele origin: germline.
Comment: In summary, the available evidence is currently insufficient to determine the role of this variant in disease. Therefore, it has been classified as a Variant of Uncertain Significance. Advanced modeling of protein sequence and biophysical properties (such as structural, functional, and spatial information, amino acid conservation, physicochemical variation, residue mobility, and thermodynamic stability) performed at Invitae indicates that this missense variant is not expected to disrupt DYNC2H1 protein function. ClinVar contains an entry for this variant (Variation ID: 1355366). This variant has not been reported in the literature in individuals affected with DYNC2H1-related conditions. This variant is not present in population databases (gnomAD no frequency). This sequence change replaces leucine, which is neutral and non-polar, with phenylalanine, which is neutral and non-polar, at codon 1234 of the DYNC2H1 protein (p.Leu1234Phe).

NM_001377.3(DYNC2H1):c.3700C>T (p.Leu1234Phe)

Gene: DYNC2H1 (dynein cytoplasmic 2 heavy chain 1; plus strand). Cytogenetic location: 11q22.3.
Variant type: single nucleotide variant.
Coding change: c.3700C>T on transcript NM_001377.3 (MANE Select); coding-DNA position 3700, C replaced by T.
Protein change: p.Leu1234Phe; replaces leucine 1234 with phenylalanine.
Molecular consequence: missense variant.
Genome position (GRCh38, 1-based): chr11:103,155,457, C>T. VCF-style: chr11-103155457-C-T. GRCh37 (hg19) VCF-style: chr11-103026186-C-T.
Other names: c.3700C>T, p.Leu1234Phe (NM_001080463.2); short protein forms L1234F.
Identifiers: ClinVar variation 1355366 (VCV001355366.6), dbSNP rs2134890455, ClinGen allele CA382274196.